The following is an entry in ClinVar:

ClinVar aggregate classification (germline): Benign. Review status: criteria provided, multiple submitters, no conflicts (2 of 4 stars). 2 submissions from 2 submitters: Benign (2). Last evaluated 2018-01-13.

Conditions:
Multiple cutaneous and mucosal venous malformations (VMCM). Also called: TEK-Related Multiple Cutaneous and Mucosal Venous Malformations (VMCM). Identifiers: Orphanet 2451, MedGen C1838437, MONDO:0010842, OMIM 600195.

Allele frequency attached by ClinVar (database versions not stated): 1000 Genomes Project 30x 0.00219; 1000 Genomes Project 0.00220; gnomAD 0.00729 and 0.00681; TOPMed 0.00788; ESP Exome Variant Server 0.00825; ExAC 0.00645.
gnomAD v4.1: 15,067 of 1,552,010 alleles (0.97%); highest among the groups gnomAD compares: Non-Finnish European, 1.2%; 94 homozygotes.

Submissions (2):

Illumina Laboratory Services, Illumina
Classification: Benign for Multiple cutaneous and mucosal venous malformations. Last evaluated: 2018-01-13. Review status: criteria provided, single submitter. Criteria: ICSL Variant Classification Criteria 13 December 2019. Collection method: clinical testing. Allele origin: germline.
Comment: This variant was observed in the ICSL laboratory as part of a predisposition screen in an ostensibly healthy population. It had not been previously curated by ICSL or reported in the Human Gene Mutation Database (HGMD: prior to June 1st, 2018), and was therefore a candidate for classification through an automated scoring system. Utilizing variant allele frequency, disease prevalence and penetrance estimates, and inheritance mode, an automated score was calculated to assess if this variant is too frequent to cause the disease. Based on the score and internal cut-off values, a variant classified as benign is not then subjected to further curation. The score for this variant resulted in a classification of benign for this disease.

Breakthrough Genomics
Classification: Benign. Review status: criteria provided, single submitter. Criteria: ACMG Guidelines, 2015. Collection method: not provided. Allele origin: germline. Inheritance: Autosomal dominant inheritance. Affected: yes.

NM_000459.5(TEK):c.*52T>A

Gene: TEK (TEK receptor tyrosine kinase; plus strand). Cytogenetic location: 9p21.2.
Variant type: single nucleotide variant.
Coding change: c.*52T>A on transcript NM_000459.5 (MANE Select); 52 bases downstream of the stop codon, T replaced by A.
Molecular consequence: 3 prime UTR variant.
Genome position (GRCh38, 1-based): chr9:27,229,284, T>A. VCF-style: chr9-27229284-T-A. GRCh37 (hg19) VCF-style: chr9-27229282-T-A.
Other names: c.*52T>A (NM_001290077.2, NM_001290078.2, NM_001375475.1 and 1 more transcripts).
Identifiers: ClinVar variation 366458 (VCV000366458.6), dbSNP rs117748450, ClinGen allele CA5016858.